The following is an entry in ClinVar:

ClinVar aggregate classification (germline): Conflicting classifications of pathogenicity. Review status: criteria provided, conflicting classifications (1 of 4 stars). 6 submissions from 6 submitters: Uncertain significance (4); Likely benign (2). Last evaluated 2026-02-24.

Conditions:
COL1A1-related disorder. Also called: COL1A1- related disease; COL1A1-related condition.
Osteogenesis imperfecta type I (OI1). Also called: OI, TYPE I; OSTEOGENESIS IMPERFECTA TARDA; OSTEOGENESIS IMPERFECTA WITH BLUE SCLERAE; Lobstein disease; Lobstein's Disease; Osteogenesis imperfecta type 1. Identifiers: Orphanet 216796, Orphanet 666, MedGen C0023931, MONDO:0008146, OMIM 166200. Disease mechanism: loss of function.

Allele frequency attached by ClinVar (database versions not stated): TOPMed below 0.00001; ExAC 0.00001; gnomAD 0.00001; gnomAD exomes 0.00001.
gnomAD v4.1: 13 of 1,612,770 alleles (0.00081%); highest among the groups gnomAD compares: Non-Finnish European, 0.00085%; no homozygotes.

Submissions (6):

GeneDx
Classification: Uncertain significance. Last evaluated: 2026-02-24. Review status: criteria provided, single submitter. Criteria: GeneDx Variant Classification Process June 2021. Collection method: clinical testing. Allele origin: germline.
Comment: Has not been previously published as pathogenic or benign to our knowledge; Not observed at significant frequency in large population cohorts (gnomAD); In silico analysis suggests that this missense variant does not alter protein structure/function; Occurs in the triple helical domain at the Y position in the canonical Gly-X-Y repeat; although this variant may have an effect on normal protein folding and function, missense substitution at the Y position is not a common mechanism of disease (HGMD)

PreventionGenetics, part of Exact Sciences
Classification: Uncertain significance for COL1A1-related condition. Last evaluated: 2025-08-19. Review status: criteria provided, single submitter. Criteria: ACMG Guidelines, 2015. Collection method: clinical testing. Allele origin: germline.
Comment: The COL1A1 c.1621A>G variant is predicted to result in the amino acid substitution p.Thr541Ala. To our knowledge, this variant has not been reported in the literature. This variant is reported in 0.012% of alleles in individuals of European (Finnish) descent in gnomAD. Although we suspect that this variant may be benign, at this time, the clinical significance of this variant is uncertain due to the absence of conclusive functional and genetic evidence.

Labcorp Genetics (formerly Invitae), Labcorp
Classification: Likely benign for Osteogenesis imperfecta type I. Last evaluated: 2023-03-20. Review status: criteria provided, single submitter. Criteria: Invitae Variant Classification Sherloc (09022015). Collection method: clinical testing. Allele origin: germline.

CeGaT Center for Human Genetics Tuebingen
Classification: Uncertain significance. Last evaluated: 2023-03-01. Review status: criteria provided, single submitter. Criteria: CeGaT Center For Human Genetics Tuebingen Variant Classification Criteria Version 2. Collection method: clinical testing. Allele origin: germline. Affected: yes. Observed: 1 variant allele.
Comment: COL1A1: PM2, PP2

Blueprint Genetics
Classification: Likely benign. Last evaluated: 2019-06-25. Review status: criteria provided, single submitter. Criteria: ACMG Guidelines, 2015. Collection method: clinical testing. Allele origin: germline.

Eurofins Ntd Llc (ga)
Classification: Uncertain significance. Last evaluated: 2017-11-17. Review status: criteria provided, single submitter. Criteria: EGL Classification Definitions 2015. Collection method: clinical testing. Allele origin: germline. Observed: 2 variant alleles, 2 heterozygotes.

NM_000088.4(COL1A1):c.1621A>G (p.Thr541Ala)

Gene: COL1A1 (collagen type I alpha 1 chain; minus strand). Cytogenetic location: 17q21.33.
Variant type: single nucleotide variant.
Coding change: c.1621A>G on transcript NM_000088.4 (MANE Select); coding-DNA position 1621, A replaced by G.
Protein change: p.Thr541Ala; replaces threonine 541 with alanine.
Molecular consequence: missense variant.
Genome position (GRCh38, 1-based): chr17:50,194,177, T>C on the plus strand (A>G on the coding strand, the complement: COL1A1 is on the minus strand). VCF-style: chr17-50194177-T-C. GRCh37 (hg19) VCF-style: chr17-48271538-T-C.
Other names: c.1621A>G (NM_000088.3); short protein forms T541A.
Identifiers: ClinVar variation 498521 (VCV000498521.39), dbSNP rs766204229, ClinGen allele CA8645171.
Genomic context (GRCh38, chr17:50,194,177, plus strand): 5'-GAGTGATACTTACAGGGGGGCCAGTTTTGCCATCAGGACCAGGGCTGCCAGGGCTTCCAG[T>C]CAGACCCTAGGGAGGCAGAGAGGTATGAGTGGGACTTGGGGAGAAGCATGATGGAGGTGG-3'
Protein context (NP_000079.2, residues 531-551): EAGLPGAKGL[Thr541Ala]GSPGSPGPDG